The following is an entry in ClinVar:

ClinVar aggregate classification (germline): Uncertain significance (1 of 4 stars; one submission).

Allele frequency attached by ClinVar (database versions not stated): gnomAD exomes below 0.00001; ExAC 0.00001; gnomAD 0.00002.
gnomAD v4.1: 7 of 1,207,712 alleles (0.00058%); highest among the groups gnomAD compares: Non-Finnish European, 0.00056%; no homozygotes.

Submission:

Labcorp Genetics (formerly Invitae), Labcorp
Classification: Uncertain significance. Last evaluated: 2023-05-20. Review status: criteria provided, single submitter. Criteria: Invitae Variant Classification Sherloc (09022015). Collection method: clinical testing. Allele origin: germline.
Comment: In summary, the available evidence is currently insufficient to determine the role of this variant in disease. Therefore, it has been classified as a Variant of Uncertain Significance. An algorithm developed to predict the effect of missense changes on protein structure and function (PolyPhen-2) suggests that this variant is likely to be tolerated. This variant has not been reported in the literature in individuals affected with CLCN4-related conditions. This variant is present in population databases (rs762313297, gnomAD 0.006%), including at least one homozygous and/or hemizygous individual. This sequence change replaces proline, which is neutral and non-polar, with leucine, which is neutral and non-polar, at codon 20 of the CLCN4 protein (p.Pro20Leu).

NM_001830.4(CLCN4):c.59C>T (p.Pro20Leu)

Gene: CLCN4 (chloride voltage-gated channel 4; plus strand). Cytogenetic location: Xp22.2.
Variant type: single nucleotide variant.
Coding change: c.59C>T on transcript NM_001830.4 (MANE Select); coding-DNA position 59, C replaced by T.
Protein change: p.Pro20Leu; replaces proline 20 with leucine.
Molecular consequence: missense variant. On other transcripts: intron variant (1).
Genome position (GRCh38, 1-based): chrX:10,185,091, C>T. VCF-style: chrX-10185091-C-T. GRCh37 (hg19) VCF-style: chrX-10153131-C-T.
Other names: c.-38-9820C>T (NM_001256944.2); short protein forms P20L.
Identifiers: ClinVar variation 2804552 (VCV002804552.3), dbSNP rs762313297, ClinGen allele CA10346996.